The following is an entry in ClinVar:

ClinVar aggregate classification (germline): Uncertain significance. Review status: criteria provided, multiple submitters, no conflicts (2 of 4 stars). 2 submissions from 2 submitters: Uncertain significance (2). Last evaluated 2024-05-31.

Conditions:
Cataract 41 (CTRCT41). Also called: CATARACT 41, CONGENITAL NUCLEAR TYPE. Identifiers: Orphanet 91492, Orphanet 98991, Orphanet 98992, Orphanet 98995, MedGen C3805412, MONDO:0007287, OMIM 116400.
Wolfram syndrome 1 (WFS1). Identifiers: Orphanet 3463, MedGen C4551693, MONDO:0009101, OMIM 222300.
Autosomal dominant nonsyndromic hearing loss 6 (LFSNHL). Also called: DEAFNESS, AUTOSOMAL DOMINANT 6; DEAFNESS, AUTOSOMAL DOMINANT 14; DEAFNESS, AUTOSOMAL DOMINANT 38; Autosomal dominant nonsyndromic deafness 6. Identifiers: Orphanet 90635, MedGen C1833021, MONDO:0010963, OMIM 600965.
Wolfram-like syndrome. Also called: HEARING LOSS, PROGRESSIVE, WITH OPTIC ATROPHY AND/OR IMPAIRED GLUCOSE REGULATION. Identifiers: Orphanet 411590, MedGen C3280358, MONDO:0013673, OMIM 614296.
Type 2 diabetes mellitus. Also called: Type II diabetes mellitus. Identifiers: MedGen C0011860, MeSH D003924, MONDO:0005148, OMIM 125853, HP:0005978.

Allele frequency attached by ClinVar (database versions not stated): ExAC 0.00003; TOPMed 0.00003; gnomAD exomes 0.00004.

Submissions (2):

Fulgent Genetics
Classification: Uncertain significance for Cataract 41; Type 2 diabetes mellitus; Wolfram syndrome 1; Autosomal dominant nonsyndromic hearing loss 6; Wolfram-like syndrome. Last evaluated: 2024-05-31. Review status: criteria provided, single submitter. Criteria: ACMG Guidelines, 2015. Collection method: clinical testing. Allele origin: germline.

Labcorp Genetics (formerly Invitae), Labcorp
Classification: Uncertain significance. Last evaluated: 2021-08-04. Review status: criteria provided, single submitter. Criteria: Invitae Variant Classification Sherloc (09022015). Collection method: clinical testing. Allele origin: germline.
Comment: This variant is present in population databases (rs756067305, ExAC 0.03%). In summary, the available evidence is currently insufficient to determine the role of this variant in disease. Therefore, it has been classified as a Variant of Uncertain Significance. Algorithms developed to predict the effect of missense changes on protein structure and function (SIFT, PolyPhen-2, Align-GVGD) all suggest that this variant is likely to be disruptive. This variant has not been reported in the literature in individuals affected with WFS1-related conditions. This sequence change replaces leucine with proline at codon 481 of the WFS1 protein (p.Leu481Pro). The leucine residue is highly conserved and there is a moderate physicochemical difference between leucine and proline.

NM_006005.3(WFS1):c.1442T>C (p.Leu481Pro)

Gene: WFS1 (wolframin ER transmembrane glycoprotein; plus strand). Cytogenetic location: 4p16.1.
Variant type: single nucleotide variant.
Coding change: c.1442T>C on transcript NM_006005.3 (MANE Select); coding-DNA position 1442, T replaced by C.
Protein change: p.Leu481Pro; replaces leucine 481 with proline.
Molecular consequence: missense variant.
Genome position (GRCh38, 1-based): chr4:6,301,237, T>C. VCF-style: chr4-6301237-T-C. GRCh37 (hg19) VCF-style: chr4-6302964-T-C.
Other names: c.1442T>C, p.Leu481Pro (NM_001145853.1); short protein forms L481P.
Identifiers: ClinVar variation 1393787 (VCV001393787.7), dbSNP rs756067305, ClinGen allele CA2839353.
Genomic context (GRCh38, chr4:6,301,237, plus strand): 5'-CCGAGGTCACCGCCGGCCTGCTATCGCTGCTGCCCTCCATGCCCTTGAATTGGCCCTACC[T>C]GAAGGTCCTTGGCCAGACCTTCATCACCGTGCCTGTCGGCCACCTGGTCGTCCTCAACGT-3'
Protein context (NP_005996.2, residues 471-491): LPSMPLNWPY[Leu481Pro]KVLGQTFITV